The following is an entry in ClinVar:

NM_014915.3(ANKRD26):c.2763T>G (p.Ile921Met)

Gene: ANKRD26 (ankyrin repeat domain containing 26; minus strand). Cytogenetic location: 10p12.1.
Variant type: single nucleotide variant.
Coding change: c.2763T>G on transcript NM_014915.3 (MANE Select); coding-DNA position 2763, T replaced by G.
Protein change: p.Ile921Met; replaces isoleucine 921 with methionine.
Molecular consequence: missense variant.
Genome position (GRCh38, 1-based): chr10:27,035,687, A>C on the plus strand (T>G on the coding strand, the complement: ANKRD26 is on the minus strand). VCF-style: chr10-27035687-A-C. GRCh37 (hg19) VCF-style: chr10-27324616-A-C.
Other names: c.2760T>G, p.Ile920Met (NM_001256053.2); short protein forms I921M, I920M.
Identifiers: ClinVar variation 3913538 (VCV003913538.1).

ClinVar aggregate classification (germline): Uncertain significance (1 of 4 stars; one submission).

Conditions:
Inborn genetic diseases. Identifiers: MedGen C0950123, MeSH D030342.

Submission:

Ambry Genetics
Classification: Uncertain significance for Inborn genetic diseases. Last evaluated: 2025-04-01. Review status: criteria provided, single submitter. Criteria: Ambry Variant Classification Scheme 2023. Collection method: clinical testing. Allele origin: germline.
Comment: The p.I921M variant (also known as c.2763T>G), located in coding exon 24 of the ANKRD26 gene, results from a T to G substitution at nucleotide position 2763. The isoleucine at codon 921 is replaced by methionine, an amino acid with highly similar properties. This amino acid position is conserved. In addition, this alteration is predicted to be tolerated by in silico analysis. Based on the available evidence, the clinical significance of this variant remains unclear.